The following is an entry in ClinVar:

ClinVar aggregate classification (germline): Uncertain significance (1 of 4 stars; one submission).

Submission:

GeneDx
Classification: Uncertain significance. Last evaluated: 2022-09-06. Review status: criteria provided, single submitter. Criteria: GeneDx Variant Classification Process June 2021. Collection method: clinical testing. Allele origin: germline. Affected: yes.
Comment: Not observed at significant frequency in large population cohorts (gnomAD); In silico analysis supports that this missense variant does not alter protein structure/function; In silico analysis suggests this variant may impact gene splicing. In the absence of RNA/functional studies, the actual effect of this sequence change is unknown.; Has not been previously published as pathogenic or benign to our knowledge

NM_001348716.2(KDM6B):c.4729G>A (p.Glu1577Lys)

Gene: KDM6B (lysine demethylase 6B; plus strand). Cytogenetic location: 17p13.1.
Variant type: single nucleotide variant.
Coding change: c.4729G>A on transcript NM_001348716.2 (MANE Select); coding-DNA position 4729, G replaced by A.
Protein change: p.Glu1577Lys; replaces glutamic acid 1577 with lysine.
Molecular consequence: missense variant.
Genome position (GRCh38, 1-based): chr17:7,853,118, G>A. VCF-style: chr17-7853118-G-A. GRCh37 (hg19) VCF-style: chr17-7756436-G-A.
Other names: c.4729G>A, p.Glu1577Lys (NM_001080424.2); short protein forms E1577K.
Identifiers: ClinVar variation 2443488 (VCV002443488.1), dbSNP rs2544536373, ClinGen allele CA397928468.